The following is an entry in ClinVar:

NM_001371928.1(AHDC1):c.2521C>T (p.Arg841Cys)

Gene: AHDC1 (AT-hook DNA binding motif containing 1; minus strand). Cytogenetic location: 1p36.11.
Variant type: single nucleotide variant.
Coding change: c.2521C>T on transcript NM_001371928.1 (MANE Select); coding-DNA position 2521, C replaced by T.
Protein change: p.Arg841Cys; replaces arginine 841 with cysteine.
Molecular consequence: missense variant.
Genome position (GRCh38, 1-based): chr1:27,549,595, G>A on the plus strand (C>T on the coding strand, the complement: AHDC1 is on the minus strand). VCF-style: chr1-27549595-G-A. GRCh37 (hg19) VCF-style: chr1-27876106-G-A.
Other names: c.2521C>T, p.Arg841Cys (NM_001029882.3); short protein forms R841C.
Identifiers: ClinVar variation 2119958 (VCV002119958.4), dbSNP rs2019405487, ClinGen allele CA339230344.
Genomic context (GRCh38, chr1:27,549,595, plus strand): 5'-GAGAGGCTGAGAGGGCAAAGTCCAAGAGATCGGAGGAGTCATCCGAATCGAGCAGCGAGC[G>A]AAAGTAGCCGGTGAAGAGGTTTTGGCGCTCCTGGCTGAGCTCGGTCTGGCCTGAGGGTGC-3'
Protein context (NP_001358857.1, residues 831-851): ERQNLFTGYF[Arg841Cys]SLLDSDDSSD

ClinVar aggregate classification (germline): Uncertain significance (1 of 4 stars; one submission).

Submission:

Labcorp Genetics (formerly Invitae), Labcorp
Classification: Uncertain significance. Last evaluated: 2022-03-31. Review status: criteria provided, single submitter. Criteria: Invitae Variant Classification Sherloc (09022015). Collection method: clinical testing. Allele origin: germline.
Comment: Algorithms developed to predict the effect of missense changes on protein structure and function are either unavailable or do not agree on the potential impact of this missense change (SIFT: "Deleterious"; PolyPhen-2: "Possibly Damaging"; Align-GVGD: "Class C0"). In summary, the available evidence is currently insufficient to determine the role of this variant in disease. Therefore, it has been classified as a Variant of Uncertain Significance. This variant has not been reported in the literature in individuals affected with AHDC1-related conditions. This variant is not present in population databases (gnomAD no frequency). This sequence change replaces arginine, which is basic and polar, with cysteine, which is neutral and slightly polar, at codon 841 of the AHDC1 protein (p.Arg841Cys).